The following is an entry in ClinVar:

ClinVar aggregate classification (germline): Uncertain significance. Review status: criteria provided, multiple submitters, no conflicts (2 of 4 stars). 2 submissions from 2 submitters: Uncertain significance (2). Last evaluated 2025-09-30.

Conditions:
Joubert syndrome 23 (JBTS23). Identifiers: Orphanet 475, MedGen C4084822, MONDO:0014664, OMIM 616490.
Short-rib thoracic dysplasia 14 with polydactyly (SRTD14). Identifiers: Orphanet 397715, MedGen C4225286, MONDO:0014688, OMIM 616546.
Inborn genetic diseases. Identifiers: MedGen C0950123, MeSH D030342.

Submissions (2):

Ambry Genetics
Classification: Uncertain significance for Inborn genetic diseases. Last evaluated: 2025-09-30. Review status: criteria provided, single submitter. Criteria: Ambry Variant Classification Scheme 2023. Collection method: clinical testing. Allele origin: germline.

Labcorp Genetics (formerly Invitae), Labcorp
Classification: Uncertain significance for Joubert syndrome 23; Short-rib thoracic dysplasia 14 with polydactyly. Last evaluated: 2024-08-28. Review status: criteria provided, single submitter. Criteria: Invitae Variant Classification Sherloc (09022015). Collection method: clinical testing. Allele origin: germline.
Comment: This sequence change replaces glutamic acid, which is acidic and polar, with lysine, which is basic and polar, at codon 436 of the KIAA0586 protein (p.Glu436Lys). This variant is not present in population databases (gnomAD no frequency). This variant has not been reported in the literature in individuals affected with KIAA0586-related conditions. Invitae Evidence Modeling of protein sequence and biophysical properties (such as structural, functional, and spatial information, amino acid conservation, physicochemical variation, residue mobility, and thermodynamic stability) indicates that this missense variant is expected to disrupt KIAA0586 protein function with a positive predictive value of 80%. In summary, the available evidence is currently insufficient to determine the role of this variant in disease. Therefore, it has been classified as a Variant of Uncertain Significance.

NM_001329943.3(KIAA0586):c.1147G>A (p.Glu383Lys)

Gene: KIAA0586 (KIAA0586; plus strand). Cytogenetic location: 14q23.1.
Variant type: single nucleotide variant.
Coding change: c.1147G>A on transcript NM_001329943.3 (MANE Select); coding-DNA position 1147, G replaced by A.
Protein change: p.Glu383Lys; replaces glutamic acid 383 with lysine.
Molecular consequence: missense variant.
Genome position (GRCh38, 1-based): chr14:58,453,367, G>A. VCF-style: chr14-58453367-G-A. GRCh37 (hg19) VCF-style: chr14-58920085-G-A.
Other names: c.1306G>A, p.Glu436Lys (NM_001244189.2); c.1102G>A, p.Glu368Lys (NM_001244190.2); c.892G>A, p.Glu298Lys (NM_001244191.2, NM_001329945.2, NM_001364700.1 and 1 more transcripts); c.1015G>A, p.Glu339Lys (NM_001244192.2); c.727G>A, p.Glu243Lys (NM_001244193.2); c.1147G>A, p.Glu383Lys (NM_001329944.2, NM_001329946.2, NM_001329947.2 and 1 more transcripts); c.1147G>A (NM_014749.3); short protein forms E243K, E298K, E339K, E368K, E383K, E436K.
Identifiers: ClinVar variation 3748889 (VCV003748889.3).